The following is an entry in ClinVar:

NM_000178.4(GSS):c.129+6C>A

Gene: GSS (glutathione synthetase; minus strand). Cytogenetic location: 20q11.22.
Variant type: single nucleotide variant.
Coding change: c.129+6C>A on transcript NM_000178.4 (MANE Select); 6 bases into the intron after coding-DNA position 129, C replaced by A.
Molecular consequence: intron variant.
Genome position (GRCh38, 1-based): chr20:34,951,718, G>T on the plus strand (C>A on the coding strand, the complement: GSS is on the minus strand). VCF-style: chr20-34951718-G-T. GRCh37 (hg19) VCF-style: chr20-33539521-G-T.
Other names: c.129+6C>A (NM_001322494.1, NM_001322495.1).
Identifiers: ClinVar variation 2251262 (VCV002251262.2), dbSNP rs2519043767, ClinGen allele CA2566071634.

ClinVar aggregate classification (germline): Uncertain significance (1 of 4 stars; one submission).

Conditions:
Inborn genetic diseases. Identifiers: MedGen C0950123, MeSH D030342.

Submission:

Ambry Genetics
Classification: Uncertain significance for Inborn genetic diseases. Last evaluated: 2021-11-05. Review status: criteria provided, single submitter. Criteria: Ambry Variant Classification Scheme 2023. Collection method: clinical testing. Allele origin: germline.
Comment: The c.129+6C>A intronic alteration consists of a C to A substitution 6 nucleotides after exon 2 (coding exon 1) of the GSS gene. Based on insufficient or conflicting evidence, the clinical significance of this alteration remains unclear.